The following is an entry in ClinVar:

NM_152703.5(SAMD9L):c.1474C>T (p.Gln492Ter)

Gene: SAMD9L (sterile alpha motif domain containing 9 like; minus strand). Cytogenetic location: 7q21.2.
Variant type: single nucleotide variant.
Coding change: c.1474C>T on transcript NM_152703.5 (MANE Select); coding-DNA position 1474, C replaced by T.
Protein change: p.Gln492Ter; replaces glutamine 492 with a stop codon.
Molecular consequence: nonsense.
Genome position (GRCh38, 1-based): chr7:93,134,498, G>A on the plus strand (C>T on the coding strand, the complement: SAMD9L is on the minus strand). VCF-style: chr7-93134498-G-A. GRCh37 (hg19) VCF-style: chr7-92763811-G-A.
Other names: c.1474C>T, p.Gln492Ter (NM_001303496.3, NM_001303497.3, NM_001303498.3 and 5 more transcripts); short protein forms Q492*.
Identifiers: ClinVar variation 2738081 (VCV002738081.3), dbSNP rs1330837828, ClinGen allele CA368196340.

ClinVar aggregate classification (germline): Uncertain significance (1 of 4 stars; one submission).

Allele frequency attached by ClinVar (database versions not stated): gnomAD exomes below 0.00001; TOPMed below 0.00001.
gnomAD v4.1: 1 of 1,613,986 alleles (0.000062%); highest among the groups gnomAD compares: Non-Finnish European, 0.000085%; no homozygotes.

Submission:

Labcorp Genetics (formerly Invitae), Labcorp
Classification: Uncertain significance. Last evaluated: 2023-04-12. Review status: criteria provided, single submitter. Criteria: Invitae Variant Classification Sherloc (09022015). Collection method: clinical testing. Allele origin: germline.
Comment: In summary, the available evidence is currently insufficient to determine the role of this variant in disease. Therefore, it has been classified as a Variant of Uncertain Significance. This variant has not been reported in the literature in individuals affected with SAMD9L-related conditions. This variant is present in population databases (no rsID available, gnomAD no frequency). This sequence change creates a premature translational stop signal (p.Gln492*) in the SAMD9L gene. While this is not anticipated to result in nonsense mediated decay, it is expected to disrupt the last 1093 amino acid(s) of the SAMD9L protein.